The following is an entry in ClinVar:

NM_000186.4(CFH):c.3548G>T (p.Trp1183Leu)

Gene: CFH (complement factor H; plus strand). Cytogenetic location: 1q31.3.
Variant type: single nucleotide variant.
Coding change: c.3548G>T on transcript NM_000186.4 (MANE Select); coding-DNA position 3548, G replaced by T.
Protein change: p.Trp1183Leu; replaces tryptophan 1183 with leucine.
Molecular consequence: missense variant.
Genome position (GRCh38, 1-based): chr1:196,747,165, G>T. VCF-style: chr1-196747165-G-T. GRCh37 (hg19) VCF-style: chr1-196716295-G-T.
Other names: short protein forms W1183L.
Identifiers: ClinVar variation 1175202 (VCV001175202.4), dbSNP rs2149118700, ClinGen allele CA343987433.
Genomic context (GRCh38, chr1:196,747,165, plus strand): 5'-TTTCAGATCCGTGTGTAATATCCCGAGAAATTATGGAAAATTATAACATAGCATTAAGGT[G>T]GACAGCCAAACAGAAGCTTTATTCGAGAACAGGTGAATCAGTTGAATTTGTGTGTAAACG-3'
Protein context (NP_000177.2, residues 1173-1193): IMENYNIALR[Trp1183Leu]TAKQKLYSRT

ClinVar aggregate classification (germline): Pathogenic/Likely pathogenic. Review status: criteria provided, multiple submitters, no conflicts (2 of 4 stars). 2 submissions from 2 submitters: Pathogenic (1); Likely pathogenic (1). Last evaluated 2026-09-17.

Conditions:
Factor H deficiency (CFHD). Also called: CFH DEFICIENCY; COMPLEMENT FACTOR H DEFICIENCY. Identifiers: Orphanet 200421, MedGen C0398777, MONDO:0012350, OMIM 609814.
Atypical hemolytic-uremic syndrome. Identifiers: Orphanet 2134, MedGen C2931788, MONDO:0016244.

Submissions (2):

Genomenon, Inc
Classification: Pathogenic for Atypical hemolytic-uremic syndrome; Factor H deficiency. Last evaluated: 2026-09-17. Review status: criteria provided, single submitter. Criteria: Genomenon Sequence Variant Interpretation Standards - Updated. Collection method: curation. Allele origin: germline. Affected: yes.
Comment: CFH p.Trp1183Leu (c.3548G>T) is a missense variant that changes the amino acid at codon 1183 from tryptophan to leucine. This variant has been observed in at least one proband affected with a CFH-related disorder (PMID: 11170895; 33387344; 34539730; 12424708; 14978182). A de novo occurrence of this variant has been observed in at least one affected individual (PMID: 11170895; 34539730). At least one functional study has demonstrated a substantial alteration in protein function relative to the wild-type (PMID: 27006390; 32793201; 12424708; 26728463; 19680263; 19351878; 16338962). It is absent or not present at a significant frequency in gnomAD. In conclusion, we classify CFH p.Trp1183Leu (c.3548G>T) as a pathogenic variant.

Beijing Key Laboratry for Genetics of Birth Defects, Beijing Children's Hospital
Classification: Likely pathogenic for Factor H deficiency. Last evaluated: 2020-02-28. Review status: criteria provided, single submitter. Criteria: ACMG Guidelines, 2015. Collection method: clinical testing. Allele origin: de novo. Affected: yes. Observed: 1 variant allele.

Literature cited by the submitters: PubMed 11170895 (cited by Genomenon, Inc); PubMed 33387344 (cited by Genomenon, Inc); PubMed 34539730 (cited by Genomenon, Inc); PubMed 12424708 (cited by Genomenon, Inc); PubMed 14978182 (cited by Genomenon, Inc); PubMed 27006390 (cited by Genomenon, Inc); PubMed 32793201 (cited by Genomenon, Inc); PubMed 26728463 (cited by Genomenon, Inc); PubMed 19680263 (cited by Genomenon, Inc); PubMed 19351878 (cited by Genomenon, Inc); PubMed 16338962 (cited by Genomenon, Inc).